The following is an entry in ClinVar:

ClinVar aggregate classification (germline): Uncertain significance. Review status: criteria provided, multiple submitters, no conflicts (2 of 4 stars). 4 submissions from 4 submitters: Uncertain significance (4). Last evaluated 2025-10-06.

Conditions:
Atypical hemolytic-uremic syndrome with MCP/CD46 anomaly. Also called: HEMOLYTIC UREMIC SYNDROME, ATYPICAL, SUSCEPTIBILITY TO, 2; AHUS, SUSCEPTIBILITY TO, 2. Identifiers: Orphanet 2134, MedGen C2752040, MONDO:0013040, OMIM 612922.

Allele frequency attached by ClinVar (database versions not stated): ExAC 0.00001; TOPMed 0.00003; gnomAD 0.00007; gnomAD exomes 0.00010.
gnomAD v4.1: 150 of 1,613,990 alleles (0.0093%); highest among the groups gnomAD compares: Middle Eastern, 0.016%; no homozygotes.

Submissions (4):

Labcorp Genetics (formerly Invitae), Labcorp
Classification: Uncertain significance. Last evaluated: 2025-10-06. Review status: criteria provided, single submitter. Criteria: Invitae Variant Classification Sherloc (09022015). Collection method: clinical testing. Allele origin: germline.
Comment: This sequence change replaces isoleucine, which is neutral and non-polar, with threonine, which is neutral and polar, at codon 56 of the CD46 protein (p.Ile56Thr). This variant is present in population databases (rs746663934, gnomAD 0.007%). This variant has not been reported in the literature in individuals affected with CD46-related conditions. ClinVar contains an entry for this variant (Variation ID: 2057788). Invitae Evidence Modeling of protein sequence and biophysical properties (such as structural, functional, and spatial information, amino acid conservation, physicochemical variation, residue mobility, and thermodynamic stability) indicates that this missense variant is not expected to disrupt CD46 protein function with a negative predictive value of 80%. In summary, the available evidence is currently insufficient to determine the role of this variant in disease. Therefore, it has been classified as a Variant of Uncertain Significance.

MVZ Medizinische Genetik Mainz
Classification: Uncertain significance for Atypical hemolytic-uremic syndrome with MCP/CD46 anomaly. Last evaluated: 2025-07-03. Review status: criteria provided, single submitter. Criteria: UK Practice Guidelines For Variant Classification V4 01 2020. Collection method: clinical testing. Allele origin: germline. Inheritance: Autosomal dominant inheritance. Affected: yes. Observed: 1 variant allele.
Comment: ACMG Criteria: PM1_SUP,PM2_SUP,BP4

Blueprint Genetics
Classification: Uncertain significance. Last evaluated: 2024-10-09. Review status: criteria provided, single submitter. Criteria: ACMG Guidelines, 2015. Collection method: clinical testing. Allele origin: germline.

Ambry Genetics
Classification: Uncertain significance. Last evaluated: 2021-11-09. Review status: criteria provided, single submitter. Criteria: Ambry Variant Classification Scheme 2023. Collection method: clinical testing. Allele origin: germline.

NM_172351.3(CD46):c.167T>C (p.Ile56Thr)

Gene: CD46 (CD46 molecule; plus strand). Cytogenetic location: 1q32.2.
Variant type: single nucleotide variant.
Coding change: c.167T>C on transcript NM_172351.3 (MANE Select); coding-DNA position 167, T replaced by C.
Protein change: p.Ile56Thr; replaces isoleucine 56 with threonine.
Molecular consequence: missense variant.
Genome position (GRCh38, 1-based): chr1:207,757,083, T>C. VCF-style: chr1-207757083-T-C. GRCh37 (hg19) VCF-style: chr1-207930428-T-C.
Other names: c.167T>C, p.Ile56Thr (NM_002389.4, NM_153826.4, NM_172350.3 and 8 more transcripts); short protein forms I56T.
Identifiers: ClinVar variation 2057788 (VCV002057788.7), dbSNP rs746663934, ClinGen allele CA1371550.